The following is an entry in ClinVar:

ClinVar aggregate classification (germline): Likely benign (0 of 4 stars; one submission).

Conditions:
SLC9A7-related disorder. Also called: SLC9A7-related condition.

Allele frequency attached by ClinVar (database versions not stated): 1000 Genomes Project 30x 0.00021; 1000 Genomes Project 0.00026; ExAC 0.00028; ESP Exome Variant Server 0.00085.
gnomAD v4.1: 111 of 1,192,889 alleles (0.0093%); highest among the groups gnomAD compares: African/African-American, 0.17%; no homozygotes.

Submission:

PreventionGenetics, part of Exact Sciences
Classification: Likely benign for SLC9A7-related condition. Last evaluated: 2021-10-18. Review status: no assertion criteria provided. Collection method: clinical testing. Allele origin: germline.
Comment: This variant is classified as likely benign based on ACMG/AMP sequence variant interpretation guidelines (Richards et al. 2015 PMID: 25741868, with internal and published modifications).

NM_001257291.2(SLC9A7):c.1032G>C (p.Val344=)

Gene: SLC9A7 (solute carrier family 9 member A7; minus strand). Cytogenetic location: Xp11.3.
Variant type: single nucleotide variant.
Coding change: c.1032G>C on transcript NM_001257291.2 (MANE Select); coding-DNA position 1032, G replaced by C.
Protein change: p.Val344=; no amino-acid change (valine 344 retained).
Molecular consequence: synonymous variant. On other transcripts: intron variant (1).
Genome position (GRCh38, 1-based): chrX:46,662,025, C>G on the plus strand (G>C on the coding strand, the complement: SLC9A7 is on the minus strand). VCF-style: chrX-46662025-C-G. GRCh37 (hg19) VCF-style: chrX-46521460-C-G.
Other names: c.1029+3G>C (NM_032591.3).
Identifiers: ClinVar variation 3036772 (VCV003036772.2), dbSNP rs376682289, ClinGen allele CA10393975.